The following is an entry in ClinVar:

ClinVar aggregate classification (germline): Uncertain significance (1 of 4 stars; one submission).

Conditions:
Inborn genetic diseases. Identifiers: MedGen C0950123, MeSH D030342.

Submission:

Ambry Genetics
Classification: Uncertain significance for Inborn genetic diseases. Last evaluated: 2024-05-12. Review status: criteria provided, single submitter. Criteria: Ambry Variant Classification Scheme 2023. Collection method: clinical testing. Allele origin: germline.
Comment: The p.D162V variant (also known as c.485A>T), located in coding exon 7 of the ERCC2 gene, results from an A to T substitution at nucleotide position 485. The aspartic acid at codon 162 is replaced by valine, an amino acid with highly dissimilar properties. This amino acid position is conserved. In addition, the in silico prediction for this alteration is inconclusive. Since supporting evidence is limited at this time, the clinical significance of this alteration remains unclear.

NM_000400.4(ERCC2):c.485A>T (p.Asp162Val)

Gene: ERCC2 (ERCC excision repair 2, TFIIH core complex helicase subunit; minus strand). Cytogenetic location: 19q13.32.
Variant type: single nucleotide variant.
Coding change: c.485A>T on transcript NM_000400.4 (MANE Select); coding-DNA position 485, A replaced by T.
Protein change: p.Asp162Val; replaces aspartic acid 162 with valine.
Molecular consequence: missense variant.
Genome position (GRCh38, 1-based): chr19:45,364,947, T>A on the plus strand (A>T on the coding strand, the complement: ERCC2 is on the minus strand). VCF-style: chr19-45364947-T-A. GRCh37 (hg19) VCF-style: chr19-45868205-T-A.
Other names: c.413A>T, p.Asp138Val (NM_001130867.2); short protein forms D138V, D162V.
Identifiers: ClinVar variation 1743617 (VCV001743617.3), dbSNP rs2514034357, ClinGen allele CA406375804.